The following is an entry in ClinVar:

NM_020436.5(SALL4):c.2462-12T>C

Gene: SALL4 (spalt like transcription factor 4; minus strand). Cytogenetic location: 20q13.2.
Variant type: single nucleotide variant.
Coding change: c.2462-12T>C on transcript NM_020436.5 (MANE Select); 12 bases into the intron before coding-DNA position 2462, T replaced by C.
Molecular consequence: intron variant.
Genome position (GRCh38, 1-based): chr20:51,789,153, A>G on the plus strand (T>C on the coding strand, the complement: SALL4 is on the minus strand). VCF-style: chr20-51789153-A-G. GRCh37 (hg19) VCF-style: chr20-50405692-A-G.
Other names: c.2462-12T>C (LRG_675t1); c.1151-12T>C (NM_001318031.2).
Identifiers: ClinVar variation 1804244 (VCV001804244.7), dbSNP rs770440198, ClinGen allele CA9912074.
Genomic context (GRCh38, chr20:51,789,153, plus strand): 5'-ACATAGGTCGGCGGGGCTCGGATAAACGTGGAAGGGAGACTGCTCCGACCTAGTACACAG[A>G]GGGGAAAAAAGCCAGACCTTTATCATCCAACCTTCATTCTTTCTCTTCAAAGCAAAAGAG-3'

ClinVar aggregate classification (germline): Conflicting classifications of pathogenicity. Review status: criteria provided, conflicting classifications (1 of 4 stars). 3 submissions from 3 submitters: Uncertain significance (1); Likely benign (2). Last evaluated 2026-01-19.

Conditions:
Duane-radial ray syndrome (DRRS). Also called: Duane-Radial Ray Syndrome (DRRS) / Okihiro Syndrome; Duane-Radial Ray Syndrome/Okihiro Syndrome; ACRORENOOCULAR SYNDROME; DR SYNDROME; DUANE ANOMALY WITH RADIAL RAY ABNORMALITIES AND DEAFNESS; Okihiro Syndrome. Identifiers: Orphanet 93293, Orphanet 959, MedGen C1623209, MONDO:0011812, OMIM 607323. Disease mechanism: gain of function.

Allele frequency attached by ClinVar (database versions not stated): ExAC 0.00001; gnomAD exomes 0.00001 and 0.00002; gnomAD 0.00003 and 0.00008; TOPMed 0.00012 and 0.00014.
gnomAD v4.1: 30 of 1,613,086 alleles (0.0019%); highest among the groups gnomAD compares: African/African-American, 0.027%; no homozygotes.

Submissions (3):

Labcorp Genetics (formerly Invitae), Labcorp
Classification: Likely benign for Duane-radial ray syndrome. Last evaluated: 2026-01-19. Review status: criteria provided, single submitter. Criteria: Invitae Variant Classification Sherloc (09022015). Collection method: clinical testing. Allele origin: germline.

Blueprint Genetics
Classification: Likely benign. Last evaluated: 2024-06-05. Review status: criteria provided, single submitter. Criteria: ACMG Guidelines, 2015. Collection method: clinical testing. Allele origin: germline.

GeneDx
Classification: Uncertain significance. Last evaluated: 2022-06-14. Review status: criteria provided, single submitter. Criteria: GeneDx Variant Classification Process June 2021. Collection method: clinical testing. Allele origin: germline. Affected: yes.
Comment: In silico analysis supports that this variant does not alter splicing; Has not been previously published as pathogenic or benign to our knowledge